The following is an entry in ClinVar:

NM_015331.3(NCSTN):c.1550C>T (p.Thr517Met)

Gene: NCSTN (nicastrin; plus strand). Cytogenetic location: 1q23.2.
Variant type: single nucleotide variant.
Coding change: c.1550C>T on transcript NM_015331.3 (MANE Select); coding-DNA position 1550, C replaced by T.
Protein change: p.Thr517Met; replaces threonine 517 with methionine.
Molecular consequence: missense variant.
Genome position (GRCh38, 1-based): chr1:160,355,957, C>T. VCF-style: chr1-160355957-C-T. GRCh37 (hg19) VCF-style: chr1-160325747-C-T.
Other names: c.1490C>T, p.Thr497Met (NM_001290184.2); c.1136C>T, p.Thr379Met (NM_001290186.2); c.1550C>T, p.Thr517Met (NM_001349729.2); short protein forms T379M, T497M, T517M.
Identifiers: ClinVar variation 2547378 (VCV002547378.5), dbSNP rs769698945, ClinGen allele CA1199029.

ClinVar aggregate classification (germline): Uncertain significance. Review status: criteria provided, multiple submitters, no conflicts (2 of 4 stars). 2 submissions from 2 submitters: Uncertain significance (2). Last evaluated 2024-06-17.

Conditions:
Inborn genetic diseases. Identifiers: MedGen C0950123, MeSH D030342.

Allele frequency attached by ClinVar (database versions not stated): gnomAD exomes 0.00001; TOPMed 0.00001; ExAC 0.00002; gnomAD 0.00002.
gnomAD v4.1: 12 of 1,611,478 alleles (0.00074%); highest among the groups gnomAD compares: African/African-American, 0.0013%; no homozygotes.

Submissions (2):

Labcorp Genetics (formerly Invitae), Labcorp
Classification: Uncertain significance. Last evaluated: 2024-06-17. Review status: criteria provided, single submitter. Criteria: Invitae Variant Classification Sherloc (09022015). Collection method: clinical testing. Allele origin: germline.
Comment: This sequence change replaces threonine, which is neutral and polar, with methionine, which is neutral and non-polar, at codon 517 of the NCSTN protein (p.Thr517Met). This variant is present in population databases (rs769698945, gnomAD 0.004%). This variant has not been reported in the literature in individuals affected with NCSTN-related conditions. ClinVar contains an entry for this variant (Variation ID: 2547378). An algorithm developed to predict the effect of missense changes on protein structure and function (PolyPhen-2) suggests that this variant is likely to be tolerated. In summary, the available evidence is currently insufficient to determine the role of this variant in disease. Therefore, it has been classified as a Variant of Uncertain Significance.

Ambry Genetics
Classification: Uncertain significance for Inborn genetic diseases. Last evaluated: 2023-05-17. Review status: criteria provided, single submitter. Criteria: Ambry Variant Classification Scheme 2023. Collection method: clinical testing. Allele origin: germline.